The following is an entry in ClinVar:

NM_014633.5(CTR9):c.2580+6T>G

Gene: CTR9 (CTR9 component of Paf1/RNA polymerase II complex; plus strand). Cytogenetic location: 11p15.4.
Variant type: single nucleotide variant.
Coding change: c.2580+6T>G on transcript NM_014633.5 (MANE Select); 6 bases into the intron after coding-DNA position 2580, T replaced by G.
Molecular consequence: intron variant.
Genome position (GRCh38, 1-based): chr11:10,772,661, T>G. VCF-style: chr11-10772661-T-G. GRCh37 (hg19) VCF-style: chr11-10794208-T-G.
Other names: c.2508+6T>G (NM_001346279.2).
Identifiers: ClinVar variation 3626167 (VCV003626167.2).

ClinVar aggregate classification (germline): Uncertain significance (1 of 4 stars; one submission).

gnomAD v4.1: 19 of 1,589,182 alleles (0.0012%); highest among the groups gnomAD compares: Non-Finnish European, 0.0016%; no homozygotes.

Submission:

Labcorp Genetics (formerly Invitae), Labcorp
Classification: Uncertain significance. Last evaluated: 2024-03-28. Review status: criteria provided, single submitter. Criteria: Invitae Variant Classification Sherloc (09022015). Collection method: clinical testing. Allele origin: germline.
Comment: This sequence change falls in intron 20 of the CTR9 gene. It does not directly change the encoded amino acid sequence of the CTR9 protein. It affects a nucleotide within the consensus splice site. This variant is not present in population databases (gnomAD no frequency). This variant has not been reported in the literature in individuals affected with CTR9-related conditions. Variants that disrupt the consensus splice site are a relatively common cause of aberrant splicing (PMID: 17576681, 9536098). Algorithms developed to predict the effect of sequence changes on RNA splicing suggest that this variant is not likely to affect RNA splicing. In summary, the available evidence is currently insufficient to determine the role of this variant in disease. Therefore, it has been classified as a Variant of Uncertain Significance.

Literature cited by the submitters: PubMed 17576681; PubMed 9536098.